The following is an entry in ClinVar:

ClinVar aggregate classification (germline): Uncertain significance. Review status: criteria provided, multiple submitters, no conflicts (2 of 4 stars). 3 submissions from 3 submitters: Uncertain significance (3). Last evaluated 2025-08-17.

Conditions:
Inborn genetic diseases. Identifiers: MedGen C0950123, MeSH D030342.
PHGDH-related disorder. Also called: PHGDH-related condition.
PHGDH deficiency. Identifiers: Orphanet 79351, MedGen C1866174, MONDO:0011152, OMIM 601815.

Allele frequency attached by ClinVar (database versions not stated): gnomAD exomes 0.00001 and 0.00002; ExAC 0.00002; TOPMed 0.00006; ESP Exome Variant Server 0.00008; gnomAD 0.00011 and 0.00013.
gnomAD v4.1: 29 of 1,613,962 alleles (0.0018%); highest among the groups gnomAD compares: African/African-American, 0.036%; no homozygotes.

Submissions (3):

PreventionGenetics, part of Exact Sciences
Classification: Uncertain significance for PHGDH-related condition. Last evaluated: 2025-08-17. Review status: criteria provided, single submitter. Criteria: ACMG Guidelines, 2015. Collection method: clinical testing. Allele origin: germline.
Comment: The PHGDH c.572T>A variant is predicted to result in the amino acid substitution p.Leu191Gln. To our knowledge, this variant has not been reported in the literature. This variant is reported in 0.040% of alleles in individuals of African descent in gnomAD. At this time, the clinical significance of this variant is uncertain due to the absence of conclusive functional and genetic evidence.

Labcorp Genetics (formerly Invitae), Labcorp
Classification: Uncertain significance for PHGDH deficiency. Last evaluated: 2024-12-16. Review status: criteria provided, single submitter. Criteria: Invitae Variant Classification Sherloc (09022015). Collection method: clinical testing. Allele origin: germline.
Comment: This sequence change replaces leucine, which is neutral and non-polar, with glutamine, which is neutral and polar, at codon 191 of the PHGDH protein (p.Leu191Gln). This variant is present in population databases (rs369944394, gnomAD 0.04%). This variant has not been reported in the literature in individuals affected with PHGDH-related conditions. ClinVar contains an entry for this variant (Variation ID: 1397261). Invitae Evidence Modeling of protein sequence and biophysical properties (such as structural, functional, and spatial information, amino acid conservation, physicochemical variation, residue mobility, and thermodynamic stability) has been performed for this missense variant. However, the output from this modeling did not meet the statistical confidence thresholds required to predict the impact of this variant on PHGDH protein function. In summary, the available evidence is currently insufficient to determine the role of this variant in disease. Therefore, it has been classified as a Variant of Uncertain Significance.

Ambry Genetics
Classification: Uncertain significance for Inborn genetic diseases. Last evaluated: 2024-10-15. Review status: criteria provided, single submitter. Criteria: Ambry Variant Classification Scheme 2023. Collection method: clinical testing. Allele origin: germline.

Literature cited by the submitters: PubMed 33758422 (cited by Ambry Genetics).

NM_006623.4(PHGDH):c.572T>A (p.Leu191Gln)

Gene: PHGDH (phosphoglycerate dehydrogenase; plus strand). Cytogenetic location: 1p12.
Variant type: single nucleotide variant.
Coding change: c.572T>A on transcript NM_006623.4 (MANE Select); coding-DNA position 572, T replaced by A.
Protein change: p.Leu191Gln; replaces leucine 191 with glutamine.
Molecular consequence: missense variant.
Genome position (GRCh38, 1-based): chr1:119,734,695, T>A. VCF-style: chr1-119734695-T-A. GRCh37 (hg19) VCF-style: chr1-120277318-T-A.
Other names: c.572T>A (NM_006623.3); short protein forms L191Q.
Identifiers: ClinVar variation 1397261 (VCV001397261.6), dbSNP rs369944394, ClinGen allele CA1037147.